The following is an entry in ClinVar:

ClinVar aggregate classification (germline): Uncertain significance (1 of 4 stars; one submission).

Conditions:
Aortic aneurysm, familial thoracic 8 (AAT8). Identifiers: MedGen C3809513, MONDO:0014187, OMIM 615436.

Submission:

Labcorp Genetics (formerly Invitae), Labcorp
Classification: Uncertain significance for Aortic aneurysm, familial thoracic 8. Last evaluated: 2024-04-29. Review status: criteria provided, single submitter. Criteria: Invitae Variant Classification Sherloc (09022015). Collection method: clinical testing. Allele origin: germline.
Comment: This sequence change replaces lysine, which is basic and polar, with asparagine, which is neutral and polar, at codon 580 of the PRKG1 protein (p.Lys580Asn). This variant is not present in population databases (gnomAD no frequency). This variant has not been reported in the literature in individuals affected with PRKG1-related conditions. ClinVar contains an entry for this variant (Variation ID: 1512832). An algorithm developed to predict the effect of missense changes on protein structure and function (PolyPhen-2) suggests that this variant is likely to be disruptive. In summary, the available evidence is currently insufficient to determine the role of this variant in disease. Therefore, it has been classified as a Variant of Uncertain Significance.

NM_006258.4(PRKG1):c.1740A>C (p.Lys580Asn)

Gene: PRKG1 (protein kinase cGMP-dependent 1; plus strand). Cytogenetic location: 10q21.1.
Variant type: single nucleotide variant.
Coding change: c.1740A>C on transcript NM_006258.4 (MANE Select); coding-DNA position 1740, A replaced by C.
Protein change: p.Lys580Asn; replaces lysine 580 with asparagine.
Molecular consequence: missense variant.
Genome position (GRCh38, 1-based): chr10:52,288,756, A>C. VCF-style: chr10-52288756-A-C. GRCh37 (hg19) VCF-style: chr10-54048516-A-C.
Other names: c.1695A>C, p.Lys565Asn (NM_001098512.3); c.531A>C, p.Lys177Asn (NM_001374781.1); short protein forms K580N, K565N, K177N.
Identifiers: ClinVar variation 1512832 (VCV001512832.6), dbSNP rs775721644, ClinGen allele CA376536171.
Genomic context (GRCh38, chr10:52,288,756, plus strand): 5'-TATCTCTTGTCGTGTCTCTCATTCTTGCAGCCCACCTTTCTCAGGCCCAGATCCTATGAA[A>C]ACCTATAACATCATATTGAGGGGGATTGACATGATAGAATTTCCAAAGAAGATTGCCAAA-3'
Protein context (NP_006249.1, residues 570-590): SPPFSGPDPM[Lys580Asn]TYNIILRGID